The following is an entry in ClinVar:

ClinVar aggregate classification (germline): Pathogenic. Review status: criteria provided, multiple submitters, no conflicts (2 of 4 stars). 2 submissions from 2 submitters: Pathogenic (2). Last evaluated 2024-05-20.

Conditions:
Hereditary cancer-predisposing syndrome. Also called: Hereditary Cancer Syndrome; Hereditary neoplastic syndrome; Neoplastic Syndromes, Hereditary; Tumor predisposition. Identifiers: Orphanet 140162, MedGen C0027672, MeSH D009386, MONDO:0015356.
Retinoblastoma (RB1). Also called: RETINOBLASTOMA, SOMATIC. Identifiers: Orphanet 790, MedGen C0035335, MeSH D012175, MONDO:0008380, OMIM 180200, HP:0009919. Disease mechanism: loss of function. Inheritance: Both sporadic and heritable forms are tested..

Submissions (2):

Genetic Diagnostic Laboratory, University of Pennsylvania School of Medicine
Classification: Pathogenic for Retinoblastoma. Last evaluated: 2024-05-20. Review status: criteria provided, single submitter. Criteria: ACMG Guidelines, 2015. Collection method: clinical testing. Allele origin: germline. Affected: yes. Observed: 2 variant alleles.
Comment: Case and Pedigree Information: BILATERAL CASES:1, UNILATERAL CASES:1, TOTAL CASES:2, PEDIGREES:2. ACMG Codes Applied:PVS1, PM2

Ambry Genetics
Classification: Pathogenic for Hereditary cancer-predisposing syndrome. Last evaluated: 2016-09-15. Review status: criteria provided, single submitter. Criteria: Ambry Variant Classification Scheme 2023. Collection method: clinical testing. Allele origin: germline.
Comment: The p.E19* pathogenic mutation (also known as c.55G>T), located in coding exon 1 of the RB1 gene, results from a G to T substitution at nucleotide position 55. This changes the amino acid from a glutamic acid to a stop codon within coding exon 1. This alteration is expected to result in loss of function by premature protein truncation or nonsense-mediated mRNA decay. As such, this alteration is interpreted as a disease-causing mutation.

NM_000321.3(RB1):c.55G>T (p.Glu19Ter)

Gene: RB1 (RB transcriptional corepressor 1; plus strand). Cytogenetic location: 13q14.2.
Variant type: single nucleotide variant.
Coding change: c.55G>T on transcript NM_000321.3 (MANE Select); coding-DNA position 55, G replaced by T.
Protein change: p.Glu19Ter; replaces glutamic acid 19 with a stop codon.
Molecular consequence: nonsense.
Genome position (GRCh38, 1-based): chr13:48,303,967, G>T. VCF-style: chr13-48303967-G-T. GRCh37 (hg19) VCF-style: chr13-48878103-G-T.
Other names: c.55G>T, p.Glu19Ter (NM_001407167.1, NM_001407165.1, NM_001407166.1); short protein forms E19*.
Identifiers: ClinVar variation 1748565 (VCV001748565.3), dbSNP rs2138027419, ClinGen allele CA388250235.